The following is an entry in ClinVar:

NM_138694.4(PKHD1):c.1710_1714del (p.Asn570fs)

Gene: PKHD1 (PKHD1 ciliary IPT domain containing fibrocystin/polyductin; minus strand). Cytogenetic location: 6p12.2.
Variant type: Deletion.
Coding change: c.1710_1714del on transcript NM_138694.4 (MANE Select); coding-DNA positions 1710 to 1714, 5 bases deleted (CTCTG; older notation c.1710_1714delCTCTG).
Protein change: p.Asn570fs; shifts the reading frame from asparagine 570.
Molecular consequence: frameshift variant.
Genome position (GRCh38, 1-based): chr6:52,055,709-52,055,713, CAGAG deleted on the plus strand (CTCTG on the coding strand, the reverse complement: PKHD1 is on the minus strand). VCF-style (leftmost placement, unchanged base first): chr6-52055708-TCAGAG-T. GRCh37 (hg19) VCF-style: chr6-51920506-TCAGAG-T.
Other names: c.1710_1714del, p.Asn570fs (NM_170724.3); short protein forms N570fs.
Identifiers: ClinVar variation 5011237 (VCV005011237.1).

ClinVar aggregate classification (germline): Pathogenic (1 of 4 stars; one submission).

Conditions:
Polycystic kidney disease 4 (PKD4). Also called: POLYCYSTIC KIDNEY AND HEPATIC DISEASE 1; POLYCYSTIC KIDNEY DISEASE, INFANTILE, TYPE I; POLYCYSTIC KIDNEY DISEASE 4 WITH OR WITHOUT POLYCYSTIC LIVER DISEASE; PKD3; Autosomal Recessive Polycystic Kidney Disease – PKHD1. Identifiers: MedGen C4540575, MONDO:0033004, OMIM 263200.

Submission:

Myriad Genetics, Inc.
Classification: Pathogenic for Polycystic kidney disease 4. Last evaluated: 2023-08-05. Review status: criteria provided, single submitter. Criteria: Myriad Autosomal Dominant, Autosomal Recessive and X-Linked Classification Criteria (2023). Collection method: clinical testing. Allele origin: unknown.
Comment: NM_138694.3(PKHD1):c.1710_1714del5(N570Kfs*74) is expected to be pathogenic in the context of autosomal recessive polycystic kidney disease, PKHD1-related. This variant is predicted to lead to an abnormal or absent protein product due to the creation of a premature termination codon in PKHD1, a gene where loss-of-function variants are known to be pathogenic. Please note: this variant was assessed in the context of healthy population screening.